The following is an entry in ClinVar:

NM_138348.6(OTULIN):c.108G>A (p.Ala36=)

Gene: OTULIN (OTU deubiquitinase with linear linkage specificity; plus strand). Cytogenetic location: 5p15.2.
Variant type: single nucleotide variant.
Coding change: c.108G>A on transcript NM_138348.6 (MANE Select); coding-DNA position 108, G replaced by A.
Protein change: p.Ala36=; no amino-acid change (alanine 36 retained).
Molecular consequence: synonymous variant.
Genome position (GRCh38, 1-based): chr5:14,664,933, G>A. VCF-style: chr5-14664933-G-A. GRCh37 (hg19) VCF-style: chr5-14665042-G-A.
Identifiers: ClinVar variation 4682010 (VCV004682010.5).
Genomic context (GRCh38, chr5:14,664,933, plus strand): 5'-CTGCGCCGAGACGCCGGCGCGGGAGGCGGCGGCCACGGCGCGGGACGGCGGGAAGGCGGC[G>A]GCCAGCGGGCAGCCGCGGCCCGAGATGCAGTGCCCGGCCGAGCAGTGAGTCCGCGGGGGC-3'
Protein context (NP_612357.4, residues 26-46): AATARDGGKA[Ala36=]ASGQPRPEMQ

ClinVar aggregate classification (germline): Likely benign (1 of 4 stars; one submission).

Submission:

CeGaT Center for Human Genetics Tuebingen
Classification: Likely benign. Last evaluated: 2025-12-01. Review status: criteria provided, single submitter. Criteria: CeGaT Center For Human Genetics Tuebingen Variant Classification Criteria Version 2. Collection method: clinical testing. Allele origin: germline. Affected: yes. Observed: 1 variant allele.
Comment: OTULIN: PM2:Supporting, BP4, BP7